The following is an entry in ClinVar:

NM_002878.4(RAD51D):c.739-6C>T

Genes: RAD51L3-RFFL (RAD51L3-RFFL readthrough; minus strand), RAD51D (RAD51 paralog D; minus strand). Cytogenetic location: 17q12.
Variant type: single nucleotide variant.
Coding change: c.739-6C>T on transcript NM_002878.4 (MANE Select); 6 bases into the intron before coding-DNA position 739, C replaced by T.
Molecular consequence: intron variant.
Genome position (GRCh38, 1-based): chr17:35,101,371, G>A on the plus strand (C>T on the coding strand, the complement: RAD51D is on the minus strand). VCF-style: chr17-35101371-G-A. GRCh37 (hg19) VCF-style: chr17-33428390-G-A.
Other names: c.403-6C>T (NM_133629.3); c.799-6C>T (NM_001142571.2).
Identifiers: ClinVar variation 741724 (VCV000741724.8), dbSNP rs374512855, ClinGen allele CA289993013.

ClinVar aggregate classification (germline): Likely benign. Review status: criteria provided, multiple submitters, no conflicts (2 of 4 stars). 2 submissions from 2 submitters: Likely benign (2). Last evaluated 2025-09-16.

Conditions:
Breast-ovarian cancer, familial, susceptibility to, 4. Identifiers: Orphanet 145, MedGen C3280345, MONDO:0013669, OMIM 614291.

Allele frequency attached by ClinVar (database versions not stated): gnomAD exomes below 0.00001.
gnomAD v4.1: 1 of 1,613,140 alleles (0.000062%); highest among the groups gnomAD compares: African/African-American, 0.0013%; no homozygotes.

Submissions (2):

Labcorp Genetics (formerly Invitae), Labcorp
Classification: Likely benign for Breast-ovarian cancer, familial, susceptibility to, 4. Last evaluated: 2025-09-16. Review status: criteria provided, single submitter. Criteria: Invitae Variant Classification Sherloc (09022015). Collection method: clinical testing. Allele origin: germline.

Myriad Genetics, Inc.
Classification: Likely benign for Breast-ovarian cancer, familial, susceptibility to, 4. Last evaluated: 2025-02-24. Review status: criteria provided, single submitter. Criteria: Myriad Autosomal Dominant, Autosomal Recessive and X-Linked Classification Criteria (2023). Collection method: clinical testing. Allele origin: unknown.
Comment: This variant is considered likely benign. This variant is intronic and is not expected to impact mRNA splicing.